The following is an entry in ClinVar:

ClinVar aggregate classification (germline): Uncertain significance (1 of 4 stars; one submission).

Conditions:
Nephronophthisis. Also called: Juvenile Nephronophthisis. Identifiers: Orphanet 655, MedGen C0687120, MONDO:0019005, HP:0000090.

Allele frequency attached by ClinVar (database versions not stated): gnomAD exomes below 0.00001; ExAC 0.00001.
gnomAD v4.1: 1 of 1,588,720 alleles (0.000063%); highest among the groups gnomAD compares: Non-Finnish European, 0.000086%; no homozygotes.

Submission:

Labcorp Genetics (formerly Invitae), Labcorp
Classification: Uncertain significance for Nephronophthisis. Last evaluated: 2022-08-16. Review status: criteria provided, single submitter. Criteria: Invitae Variant Classification Sherloc (09022015). Collection method: clinical testing. Allele origin: germline.
Comment: This variant has not been reported in the literature in individuals affected with NPHP4-related conditions. This variant is present in population databases (rs771540359, gnomAD 0.0009%). This sequence change replaces serine, which is neutral and polar, with asparagine, which is neutral and polar, at codon 431 of the NPHP4 protein (p.Ser431Asn). Algorithms developed to predict the effect of missense changes on protein structure and function are either unavailable or do not agree on the potential impact of this missense change (SIFT: "Deleterious"; PolyPhen-2: "Possibly Damaging"; Align-GVGD: "Class C0"). In summary, the available evidence is currently insufficient to determine the role of this variant in disease. Therefore, it has been classified as a Variant of Uncertain Significance.

NM_015102.5(NPHP4):c.1292G>A (p.Ser431Asn)

Gene: NPHP4 (nephrocystin 4; minus strand). Cytogenetic location: 1p36.31.
Variant type: single nucleotide variant.
Coding change: c.1292G>A on transcript NM_015102.5 (MANE Select); coding-DNA position 1292, G replaced by A.
Protein change: p.Ser431Asn; replaces serine 431 with asparagine.
Molecular consequence: missense variant. On other transcripts: 5 prime UTR variant (2), non-coding transcript variant (1).
Genome position (GRCh38, 1-based): chr1:5,933,157, C>T on the plus strand (G>A on the coding strand, the complement: NPHP4 is on the minus strand). VCF-style: chr1-5933157-C-T. GRCh37 (hg19) VCF-style: chr1-5993217-C-T.
Other names: c.-75G>A (NM_001291593.2, NM_001291594.2); short protein forms S431N.
Identifiers: ClinVar variation 1960690 (VCV001960690.3), dbSNP rs771540359, ClinGen allele CA554578.